The following is an entry in ClinVar:

ClinVar aggregate classification (germline): Uncertain significance (1 of 4 stars; one submission).

Conditions:
Hereditary cancer-predisposing syndrome. Also called: Hereditary Cancer Syndrome; Hereditary neoplastic syndrome; Neoplastic Syndromes, Hereditary; Tumor predisposition. Identifiers: Orphanet 140162, MedGen C0027672, MeSH D009386, MONDO:0015356.

Submission:

Ambry Genetics
Classification: Uncertain significance for Hereditary cancer-predisposing syndrome. Last evaluated: 2022-05-28. Review status: criteria provided, single submitter. Criteria: Ambry Variant Classification Scheme 2023. Collection method: clinical testing. Allele origin: germline.
Comment: The p.L1522S variant (also known as c.4565T>C), located in coding exon 15 of the APC gene, results from a T to C substitution at nucleotide position 4565. The leucine at codon 1522 is replaced by serine, an amino acid with dissimilar properties. This amino acid position is conserved. In addition, in silico predictors for this gene do not accurately predict pathogenicity. Since supporting evidence is limited at this time, the clinical significance of this alteration remains unclear.

NM_000038.6(APC):c.4565T>C (p.Leu1522Ser)

Gene: APC (APC regulator of Wnt signaling pathway; plus strand). Cytogenetic location: 5q22.2.
Variant type: single nucleotide variant.
Coding change: c.4565T>C on transcript NM_000038.6 (MANE Select); coding-DNA position 4565, T replaced by C.
Protein change: p.Leu1522Ser; replaces leucine 1522 with serine.
Molecular consequence: missense variant.
Genome position (GRCh38, 1-based): chr5:112,840,159, T>C. VCF-style: chr5-112840159-T-C. GRCh37 (hg19) VCF-style: chr5-112175856-T-C.
Other names: c.4619T>C, p.Leu1540Ser (NM_001407447.1, NM_001407448.1, NM_001407449.1 and 1 more transcripts); c.4565T>C, p.Leu1522Ser (NM_001407450.1, NM_001127510.3, NM_001354895.2); c.4544T>C, p.Leu1515Ser (NM_001407451.1); c.4535T>C, p.Leu1512Ser (NM_001407452.1); c.4388T>C, p.Leu1463Ser (NM_001407453.1, NM_001354901.2); c.4316T>C, p.Leu1439Ser (NM_001407454.1, NM_001407455.1, NM_001407456.1 and 1 more transcripts); c.4262T>C, p.Leu1421Ser (NM_001407458.1, NM_001407459.1, NM_001407460.1 and 1 more transcripts); c.4178T>C, p.Leu1393Ser (NM_001407467.1, NM_001407469.1); and 11 more; short protein forms L1396S, L1431S, L1504S, L1512S, L1532S, L1540S, L1138S, L1463S.
Identifiers: ClinVar variation 1741515 (VCV001741515.2), dbSNP rs2533582982, ClinGen allele CA16031326.
Genomic context (GRCh38, chr5:112,840,159, plus strand): 5'-GTTCATCCAGCCTGAGTGCTCTGAGCCTCGATGAGCCATTTATACAGAAAGATGTGGAAT[T>C]AAGAATAATGCCTCCAGTTCAGGAAAATGACAATGGGAATGAAACAGAATCAGAGCAGCC-3'
Protein context (NP_000029.2, residues 1512-1532): DEPFIQKDVE[Leu1522Ser]RIMPPVQEND